The following is an entry in ClinVar:

NM_001164688.2(RD3):c.149C>A (p.Ala50Glu)

Gene: RD3 (RD3 regulator of GUCY2D; minus strand). Cytogenetic location: 1q32.3.
Variant type: single nucleotide variant.
Coding change: c.149C>A on transcript NM_001164688.2 (MANE Select); coding-DNA position 149, C replaced by A.
Protein change: p.Ala50Glu; replaces alanine 50 with glutamic acid.
Molecular consequence: missense variant.
Genome position (GRCh38, 1-based): chr1:211,481,267, G>T on the plus strand (C>A on the coding strand, the complement: RD3 is on the minus strand). VCF-style: chr1-211481267-G-T. GRCh37 (hg19) VCF-style: chr1-211654609-G-T.
Other names: c.149C>A, p.Ala50Glu (NM_183059.3); short protein forms A50E.
Identifiers: ClinVar variation 1516779 (VCV001516779.3), dbSNP rs140156866, ClinGen allele CA1381144.

ClinVar aggregate classification (germline): Uncertain significance (1 of 4 stars; one submission).

Conditions:
Leber congenital amaurosis 12 (LCA12). Identifiers: Orphanet 65, MedGen C1857743, MONDO:0012525, OMIM 610612.

Allele frequency attached by ClinVar (database versions not stated): ESP Exome Variant Server 0.00008.

Submission:

Labcorp Genetics (formerly Invitae), Labcorp
Classification: Uncertain significance for Leber congenital amaurosis 12. Last evaluated: 2021-08-06. Review status: criteria provided, single submitter. Criteria: Invitae Variant Classification Sherloc (09022015). Collection method: clinical testing. Allele origin: germline.
Comment: This sequence change replaces alanine with glutamic acid at codon 50 of the RD3 protein (p.Ala50Glu). The alanine residue is moderately conserved and there is a moderate physicochemical difference between alanine and glutamic acid. This variant is present in population databases (rs140156866, ExAC 0.01%). This variant has not been reported in the literature in individuals affected with RD3-related conditions. Algorithms developed to predict the effect of missense changes on protein structure and function output the following: SIFT: "Tolerated"; PolyPhen-2: "Benign"; Align-GVGD: "Class C0". The glutamic acid amino acid residue is found in multiple mammalian species, which suggests that this missense change does not adversely affect protein function. In summary, the available evidence is currently insufficient to determine the role of this variant in disease. Therefore, it has been classified as a Variant of Uncertain Significance.